The following is an entry in ClinVar:

NM_000432.4(MYL2):c.281A>C (p.Asp94Ala)

Gene: MYL2 (myosin light chain 2; minus strand). Cytogenetic location: 12q24.11.
Variant type: single nucleotide variant.
Coding change: c.281A>C on transcript NM_000432.4 (MANE Select); coding-DNA position 281, A replaced by C.
Protein change: p.Asp94Ala; replaces aspartic acid 94 with alanine.
Molecular consequence: missense variant.
Genome position (GRCh38, 1-based): chr12:110,913,318, T>G on the plus strand (A>C on the coding strand, the complement: MYL2 is on the minus strand). VCF-style: chr12-110913318-T-G. GRCh37 (hg19) VCF-style: chr12-111351122-T-G.
Other names: c.239A>C, p.Asp80Ala (NM_001406745.1); c.224A>C, p.Asp75Ala (NM_001406916.1); short protein forms D75A, D94A, D80A.
Identifiers: ClinVar variation 4710041 (VCV004710041.1).

ClinVar aggregate classification (germline): Uncertain significance (1 of 4 stars; one submission).

Conditions:
Hypertrophic cardiomyopathy 10. Also called: MYL2-Related Familial Hypertrophic Cardiomyopathy; CARDIOMYOPATHY, HYPERTROPHIC, MID-LEFT VENTRICULAR CHAMBER TYPE, 2. Identifiers: MedGen C1834460, MONDO:0012112, OMIM 608758.

Submission:

Labcorp Genetics (formerly Invitae), Labcorp
Classification: Uncertain significance for Hypertrophic cardiomyopathy 10. Last evaluated: 2025-10-08. Review status: criteria provided, single submitter. Criteria: Invitae Variant Classification Sherloc (09022015). Collection method: clinical testing. Allele origin: germline.
Comment: This sequence change replaces aspartic acid, which is acidic and polar, with alanine, which is neutral and non-polar, at codon 94 of the MYL2 protein (p.Asp94Ala). This variant is not present in population databases (gnomAD no frequency). This missense change has been observed in individual(s) with dilated cardiomyopathy (PMID: 25825243). An algorithm developed to predict the effect of missense changes on protein structure and function (PolyPhen-2) suggests that this variant is likely to be disruptive. Experimental studies are conflicting or provide insufficient evidence to determine the effect of this variant on MYL2 function (PMID: 25825243, 29463717, 35177471). In summary, the available evidence is currently insufficient to determine the role of this variant in disease. Therefore, it has been classified as a Variant of Uncertain Significance.

Literature cited by the submitters: PubMed 25825243; PubMed 29463717; PubMed 35177471.